The following is an entry in ClinVar:

ClinVar aggregate classification (germline): Benign. Review status: criteria provided, multiple submitters, no conflicts (2 of 4 stars). 4 submissions from 3 submitters: Benign (4). Last evaluated 2018-01-12.

Conditions:
Familial hyperinsulinism. Also called: Congenital hyperinsulinism. Identifiers: Orphanet 276525, MedGen C3888018, MONDO:0017182. Disease mechanism: loss of function.
Maturity-onset diabetes of the young (MODY). Also called: Maturity onset diabetes mellitus in young. Identifiers: Orphanet 552, MedGen C0342276, MONDO:0018911, HP:0004904.
Maturity-onset diabetes of the young type 1. Also called: MILD JUVENILE DIABETES MELLITUS; MODY, type I; MODY type 1; Diabetes mellitus MODY type 1; MODY HNF4A related; HNF4A-Related Maturity-Onset Diabetes of the Young Type 1. Identifiers: Orphanet 552, MedGen C1852093, MONDO:0007452, OMIM 125850. Disease mechanism: loss of function.

Allele frequency attached by ClinVar (database versions not stated): 1000 Genomes Project 0.10423; 1000 Genomes Project 30x 0.10853; gnomAD 0.11643; gnomAD exomes 0.12000; TOPMed 0.12492.
gnomAD v4.1: 18,040 of 152,228 alleles (12%); highest among the groups gnomAD compares: African/African-American, 21%; 1,298 homozygotes.

Submissions (4):

Illumina Laboratory Services, Illumina
Classification: Benign for Maturity-onset diabetes of the young type 1. Last evaluated: 2018-01-12. Review status: criteria provided, single submitter. Criteria: ICSL Variant Classification Criteria 13 December 2019. Collection method: clinical testing. Allele origin: germline.
Comment: This variant was observed in the ICSL laboratory as part of a predisposition screen in an ostensibly healthy population. It had not been previously curated by ICSL or reported in the Human Gene Mutation Database (HGMD: prior to June 1st, 2018), and was therefore a candidate for classification through an automated scoring system. Utilizing variant allele frequency, disease prevalence and penetrance estimates, and inheritance mode, an automated score was calculated to assess if this variant is too frequent to cause the disease. Based on the score and internal cut-off values, a variant classified as benign is not then subjected to further curation. The score for this variant resulted in a classification of benign for this disease.

Illumina Laboratory Services, Illumina
Classification: Benign for Familial hyperinsulinism. Last evaluated: 2018-01-12. Review status: criteria provided, single submitter. Criteria: ICSL Variant Classification Criteria 13 December 2019. Collection method: clinical testing. Allele origin: germline.
Comment: the same text as in the submission from Illumina Laboratory Services, Illumina above.

Breakthrough Genomics
Classification: Benign. Review status: criteria provided, single submitter. Criteria: ACMG Guidelines, 2015. Collection method: not provided. Allele origin: germline. Inheritance: Autosomal dominant inheritance. Affected: yes.

Clinical Genomics, Uppaluri K&H Personalized Medicine Clinic
Classification: Benign for Maturity-onset diabetes of the young. Review status: criteria provided, single submitter. Criteria: K & H Uppaluri Personalized Medicine Clinic Variant Classification & Assertion Criteria_Updated V.1. Collection method: research. Allele origin: unknown. Inheritance: Autosomal dominant inheritance.
Comment: Potent mutations in HNF4A are associated with poor insulin secretion in response to hyperglycemia. Associated with MODY1. Patients initially respond well to sulfonylureas but eventually become insulin dependent. However, more evidence is required to ascertain the role of this particular variant rs3212211 in MODY, yet.

Literature cited by the submitters: DOI 10.1159/000334532 (cited by Clinical Genomics, Uppaluri K&H Personalized Medicine Clinic); PubMed 18268044 (cited by Clinical Genomics, Uppaluri K&H Personalized Medicine Clinic); PubMed 17563455 (cited by Clinical Genomics, Uppaluri K&H Personalized Medicine Clinic); PubMed 32583173 (cited by Clinical Genomics, Uppaluri K&H Personalized Medicine Clinic); PubMed 35052457 (cited by Clinical Genomics, Uppaluri K&H Personalized Medicine Clinic); PubMed 35118593 (cited by Clinical Genomics, Uppaluri K&H Personalized Medicine Clinic).

NM_175914.5(HNF4A):c.*2366G>C

Gene: HNF4A (hepatocyte nuclear factor 4 alpha; plus strand). Cytogenetic location: 20q13.12.
Variant type: single nucleotide variant.
Coding change: c.*2366G>C on transcript NM_175914.5 (MANE Select); 2366 bases downstream of the stop codon, G replaced by C.
Molecular consequence: 3 prime UTR variant.
Genome position (GRCh38, 1-based): chr20:44,432,031, G>C. VCF-style: chr20-44432031-G-C. GRCh37 (hg19) VCF-style: chr20-43060671-G-C.
Other names: c.*2366G>C (NM_000457.6, NM_001030003.3, NM_001258355.2 and 3 more transcripts).
Identifiers: ClinVar variation 338469 (VCV000338469.7), dbSNP rs3212211, ClinGen allele CA10652540.